The following is an entry in ClinVar:

NM_006648.4(WNK2):c.364C>A (p.Gln122Lys)

Gene: WNK2 (WNK lysine deficient protein kinase 2; plus strand). Cytogenetic location: 9q22.31.
Variant type: single nucleotide variant.
Coding change: c.364C>A on transcript NM_006648.4 (MANE Select); coding-DNA position 364, C replaced by A.
Protein change: p.Gln122Lys; replaces glutamine 122 with lysine.
Molecular consequence: missense variant.
Genome position (GRCh38, 1-based): chr9:93,185,293, C>A. VCF-style: chr9-93185293-C-A. GRCh37 (hg19) VCF-style: chr9-95947575-C-A.
Other names: c.364C>A, p.Gln122Lys (NM_001282394.3); short protein forms Q122K.
Identifiers: ClinVar variation 3981865 (VCV003981865.1).

ClinVar aggregate classification (germline): Uncertain significance (1 of 4 stars; one submission).

gnomAD v4.1: 2 of 1,422,864 alleles (0.00014%); highest among the groups gnomAD compares: African/African-American, 0.003%; no homozygotes.

Submission:

Ambry Genetics
Classification: Uncertain significance. Last evaluated: 2025-04-12. Review status: criteria provided, single submitter. Criteria: Ambry Variant Classification Scheme 2023. Collection method: clinical testing. Allele origin: germline.
Comment: The p.Q122K variant (also known as c.364C>A), located in coding exon 1 of the WNK2 gene, results from a C to A substitution at nucleotide position 364. The glutamine at codon 122 is replaced by lysine, an amino acid with similar properties. This amino acid position is conserved. In addition, this alteration is predicted to be tolerated by in silico analysis. Based on the available evidence, the clinical significance of this variant remains unclear.